The following is an entry in ClinVar:

ClinVar aggregate classification (germline): Uncertain significance (1 of 4 stars; one submission).

Submission:

GeneDx
Classification: Uncertain significance. Last evaluated: 2020-08-04. Review status: criteria provided, single submitter. Criteria: GeneDx Variant Classification Process June 2021. Collection method: clinical testing. Allele origin: germline. Affected: yes.
Comment: Has not been previously published as pathogenic or benign to our knowledge; Not observed in large population cohorts (Lek et al., 2016); In-silico analysis, which includes splice predictors and evolutionary conservation, suggest this variant may damage the splice donor site; however, in the absence of RNA/functional studies, the actual effect of this sequence change is unknown

NM_000138.5(FBN1):c.6739+5G>A

Gene: FBN1 (fibrillin 1; minus strand). Cytogenetic location: 15q21.1.
Variant type: single nucleotide variant.
Coding change: c.6739+5G>A on transcript NM_000138.5 (MANE Select); 5 bases into the intron after coding-DNA position 6739, G replaced by A.
Molecular consequence: intron variant.
Genome position (GRCh38, 1-based): chr15:48,432,861, C>T on the plus strand (G>A on the coding strand, the complement: FBN1 is on the minus strand). VCF-style: chr15-48432861-C-T. GRCh37 (hg19) VCF-style: chr15-48725058-C-T.
Identifiers: ClinVar variation 1306700 (VCV001306700.2), dbSNP rs2141234929, ClinGen allele CA2573054026.